The following is an entry in ClinVar:

ClinVar aggregate classification (germline): Uncertain significance (1 of 4 stars; one submission).

Submission:

GeneDx
Classification: Uncertain significance. Last evaluated: 2022-03-18. Review status: criteria provided, single submitter. Criteria: GeneDx Variant Classification Process June 2021. Collection method: clinical testing. Allele origin: germline. Affected: yes.
Comment: Not observed at significant frequency in large population cohorts (gnomAD); In silico analysis supports that this missense variant has a deleterious effect on protein structure/function; Has not been previously published as pathogenic or benign to our knowledge.

NM_022455.5(NSD1):c.5312C>A (p.Pro1771Gln)

Genes: NSD1 (nuclear receptor binding SET domain protein 1; plus strand), LOC126807619 (MED14-independent group 3 enhancer GRCh37_chr5:176696443-176697642; plus strand). Cytogenetic location: 5q35.3.
Variant type: single nucleotide variant.
Coding change: c.5312C>A on transcript NM_022455.5 (MANE Select); coding-DNA position 5312, C replaced by A.
Protein change: p.Pro1771Gln; replaces proline 1771 with glutamine.
Molecular consequence: missense variant.
Genome position (GRCh38, 1-based): chr5:177,269,610, C>A. VCF-style: chr5-177269610-C-A. GRCh37 (hg19) VCF-style: chr5-176696611-C-A.
Other names: c.4439C>A, p.Pro1480Gln (NM_001365684.2, NM_001409308.1, NM_001409309.1 and 1 more transcripts); c.5312C>A, p.Pro1771Gln (NM_001409301.1, NM_001409302.1, NM_001409303.1); c.4892C>A, p.Pro1631Gln (NM_001409304.1); c.4559C>A, p.Pro1520Gln (NM_001409305.1); c.4550C>A, p.Pro1517Gln (NM_001409306.1, NM_001409307.1); short protein forms P1480Q, P1502Q, P1517Q, P1520Q, P1631Q, P1771Q.
Identifiers: ClinVar variation 1706120 (VCV001706120.2), dbSNP rs2480729752, ClinGen allele CA362306655.